The following is an entry in ClinVar:

ClinVar aggregate classification (germline): Uncertain significance (1 of 4 stars; one submission).

Allele frequency attached by ClinVar (database versions not stated): ExAC 0.00001; gnomAD 0.00001; gnomAD exomes below 0.00001; TOPMed 0.00002; ESP Exome Variant Server 0.00008.
gnomAD v4.1: 3 of 1,611,102 alleles (0.00019%); highest among the groups gnomAD compares: Non-Finnish European, 0.00025%; no homozygotes.

Submission:

Labcorp Genetics (formerly Invitae), Labcorp
Classification: Uncertain significance. Last evaluated: 2026-01-11. Review status: criteria provided, single submitter. Criteria: Invitae Variant Classification Sherloc (09022015). Collection method: clinical testing. Allele origin: germline.
Comment: This sequence change replaces threonine, which is neutral and polar, with isoleucine, which is neutral and non-polar, at codon 314 of the ARHGEF1 protein (p.Thr314Ile). The frequency data for this variant in the population databases is considered unreliable, as metrics indicate poor data quality at this position in the gnomAD database. This variant has not been reported in the literature in individuals affected with ARHGEF1-related conditions. ClinVar contains an entry for this variant (Variation ID: 2076668). An algorithm developed to predict the effect of missense changes on protein structure and function outputs the following: PolyPhen-2: "Benign". The isoleucine amino acid residue is found in multiple mammalian species, which suggests that this missense change does not adversely affect protein function. In summary, the available evidence is currently insufficient to determine the role of this variant in disease. Therefore, it has been classified as a Variant of Uncertain Significance.

NM_004706.4(ARHGEF1):c.896C>T (p.Thr299Ile)

Gene: ARHGEF1 (Rho guanine nucleotide exchange factor 1; plus strand). Cytogenetic location: 19q13.2.
Variant type: single nucleotide variant.
Coding change: c.896C>T on transcript NM_004706.4 (MANE Select); coding-DNA position 896, C replaced by T.
Protein change: p.Thr299Ile; replaces threonine 299 with isoleucine.
Molecular consequence: missense variant. On other transcripts: non-coding transcript variant (2).
Genome position (GRCh38, 1-based): chr19:41,895,367, C>T. VCF-style: chr19-41895367-C-T. GRCh37 (hg19) VCF-style: chr19-42399440-C-T.
Other names: c.896C>T, p.Thr299Ile (NM_001396000.1, NM_001396003.1, NM_001396006.1); c.797C>T, p.Thr266Ile (NM_001396002.1, NM_001396004.1, NM_198977.2); c.941C>T, p.Thr314Ile (NM_199002.2); short protein forms T266I, T299I, T314I.
Identifiers: ClinVar variation 2076668 (VCV002076668.4), dbSNP rs377228645, ClinGen allele CA9466109.